The following is an entry in ClinVar:

ClinVar aggregate classification (germline): Uncertain significance (1 of 4 stars; one submission).

gnomAD v4.1: 1 of 1,607,988 alleles (0.000062%); highest among the groups gnomAD compares: Non-Finnish European, 0.000085%; no homozygotes.

Submission:

Labcorp Genetics (formerly Invitae), Labcorp
Classification: Uncertain significance. Last evaluated: 2024-07-17. Review status: criteria provided, single submitter. Criteria: Invitae Variant Classification Sherloc (09022015). Collection method: clinical testing. Allele origin: germline.
Comment: This sequence change replaces leucine, which is neutral and non-polar, with proline, which is neutral and non-polar, at codon 1024 of the ALPK1 protein (p.Leu1024Pro). This variant is not present in population databases (gnomAD no frequency). This variant has not been reported in the literature in individuals affected with ALPK1-related conditions. Advanced modeling of protein sequence and biophysical properties (such as structural, functional, and spatial information, amino acid conservation, physicochemical variation, residue mobility, and thermodynamic stability) performed at Invitae indicates that this missense variant is expected to disrupt ALPK1 protein function with a positive predictive value of 80%. In summary, the available evidence is currently insufficient to determine the role of this variant in disease. Therefore, it has been classified as a Variant of Uncertain Significance.

NM_025144.4(ALPK1):c.3071T>C (p.Leu1024Pro)

Gene: ALPK1 (alpha kinase 1; plus strand). Cytogenetic location: 4q25.
Variant type: single nucleotide variant.
Coding change: c.3071T>C on transcript NM_025144.4 (MANE Select); coding-DNA position 3071, T replaced by C.
Protein change: p.Leu1024Pro; replaces leucine 1024 with proline.
Molecular consequence: missense variant.
Genome position (GRCh38, 1-based): chr4:112,435,184, T>C. VCF-style: chr4-112435184-T-C. GRCh37 (hg19) VCF-style: chr4-113356340-T-C.
Other names: c.3071T>C, p.Leu1024Pro (NM_001102406.2); c.2837T>C, p.Leu946Pro (NM_001253884.2); short protein forms L946P, L1024P.
Identifiers: ClinVar variation 3682501 (VCV003682501.2).